The following is an entry in ClinVar:

NM_003183.6(ADAM17):c.53C>T (p.Pro18Leu)

Gene: ADAM17 (ADAM metallopeptidase domain 17; minus strand). Cytogenetic location: 2p25.1.
Variant type: single nucleotide variant.
Coding change: c.53C>T on transcript NM_003183.6 (MANE Select); coding-DNA position 53, C replaced by T.
Protein change: p.Pro18Leu; replaces proline 18 with leucine.
Molecular consequence: missense variant.
Genome position (GRCh38, 1-based): chr2:9,555,553, G>A on the plus strand (C>T on the coding strand, the complement: ADAM17 is on the minus strand). VCF-style: chr2-9555553-G-A. GRCh37 (hg19) VCF-style: chr2-9695682-G-A.
Other names: c.53C>T, p.Pro18Leu (LRG_1203t1); short protein forms P18L.
Identifiers: ClinVar variation 574146 (VCV000574146.7), dbSNP rs144458353, ClinGen allele CA1523887.

ClinVar aggregate classification (germline): Uncertain significance. Review status: criteria provided, multiple submitters, no conflicts (2 of 4 stars). 3 submissions from 3 submitters: Uncertain significance (3). Last evaluated 2025-06-10.

Conditions:
Inflammatory skin and bowel disease, neonatal, 1. Identifiers: Orphanet 294023, MedGen C3280501, MONDO:0013693, OMIM 614328.

Allele frequency attached by ClinVar (database versions not stated): gnomAD exomes 0.00017 and 0.00040; gnomAD 0.00019 and 0.00020; 1000 Genomes Project 0.00020; TOPMed 0.00026; 1000 Genomes Project 30x 0.00031; ExAC 0.00034; ESP Exome Variant Server 0.00038.
gnomAD v4.1: 619 of 1,603,296 alleles (0.039%); highest among the groups gnomAD compares: Non-Finnish European, 0.049%; 1 homozygote.

Submissions (3):

Women's Health and Genetics/Laboratory Corporation of America, LabCorp
Classification: Uncertain significance. Last evaluated: 2025-06-10. Review status: criteria provided, single submitter. Criteria: LabCorp Variant Classification Summary - May 2015. Collection method: clinical testing. Allele origin: germline.
Comment: Variant summary: ADAM17 c.53C>T (p.Pro18Leu) results in a non-conservative amino acid change in the encoded protein sequence. Algorithms developed to predict the effect of missense changes on protein structure and function are either unavailable or do not agree on the potential impact of this missense change. The variant allele was found at a frequency of 0.00017 in 228990 control chromosomes. This frequency is not significantly higher than estimated for a pathogenic variant in ADAM17 causing Inflammatory skin and bowel disease, neonatal, 1 (0.00017 vs 0.0011), allowing no conclusion about variant significance. c.53C>T has been reported in association with multiple sclerosis (Jafarpour_2022). These report(s) do not provide unequivocal conclusions about association of the variant with Inflammatory skin and bowel disease, neonatal, 1. To our knowledge, no experimental evidence demonstrating an impact on protein function has been reported. The following publication has been ascertained in the context of this evaluation (PMID: 35960392). ClinVar contains an entry for this variant (Variation ID: 574146). Based on the evidence outlined above, the variant was classified as uncertain significance.

Blueprint Genetics
Classification: Uncertain significance. Last evaluated: 2024-11-26. Review status: criteria provided, single submitter. Criteria: ACMG Guidelines, 2015. Collection method: clinical testing. Allele origin: germline.

Labcorp Genetics (formerly Invitae), Labcorp
Classification: Uncertain significance for Inflammatory skin and bowel disease, neonatal, 1. Last evaluated: 2022-09-27. Review status: criteria provided, single submitter. Criteria: Invitae Variant Classification Sherloc (09022015). Collection method: clinical testing. Allele origin: germline.
Comment: This sequence change replaces proline, which is neutral and non-polar, with leucine, which is neutral and non-polar, at codon 18 of the ADAM17 protein (p.Pro18Leu). This variant is present in population databases (rs144458353, gnomAD 0.03%). This variant has not been reported in the literature in individuals affected with ADAM17-related conditions. ClinVar contains an entry for this variant (Variation ID: 574146). Algorithms developed to predict the effect of missense changes on protein structure and function output the following: SIFT: "Not Available"; PolyPhen-2: "Benign"; Align-GVGD: "Not Available". The leucine amino acid residue is found in multiple mammalian species, which suggests that this missense change does not adversely affect protein function. In summary, the available evidence is currently insufficient to determine the role of this variant in disease. Therefore, it has been classified as a Variant of Uncertain Significance.

Literature cited by the submitters: PubMed 35960392 (cited by Women's Health and Genetics/Laboratory Corporation of America, LabCorp).